The following is an entry in ClinVar:

NM_002471.4(MYH6):c.3979-10C>T

Gene: MYH6 (myosin heavy chain 6; minus strand). Cytogenetic location: 14q11.2.
Variant type: single nucleotide variant.
Coding change: c.3979-10C>T on transcript NM_002471.4 (MANE Select); 10 bases into the intron before coding-DNA position 3979, C replaced by T.
Molecular consequence: intron variant.
Genome position (GRCh38, 1-based): chr14:23,389,065, G>A on the plus strand (C>T on the coding strand, the complement: MYH6 is on the minus strand). VCF-style: chr14-23389065-G-A. GRCh37 (hg19) VCF-style: chr14-23858274-G-A.
Identifiers: ClinVar variation 414318 (VCV000414318.23), dbSNP rs28730768, ClinGen allele CA7114977.
Genomic context (GRCh38, chr14:23,389,065, plus strand): 5'-GTCGCAGTCATGCCGGGCCGACTGCAGTGCATGGGCCAGGGCGTTCTTCGCCTGGGGAGG[G>A]GGGGGGGCACCAGGAGGTGGGAGGGACTCCCTGTGCCCCATTCTCTAGATTCTCTTCTTA-3'

ClinVar aggregate classification (germline): Conflicting classifications of pathogenicity. Review status: criteria provided, conflicting classifications (1 of 4 stars). 6 submissions from 6 submitters: Uncertain significance (1); Likely benign (5). Last evaluated 2026-08-27.

Conditions:
MYH6-related disorder. Also called: MYH6-Related Disorders; MYH6-related condition.
Cardiomyopathy (CMYO). Also called: Cardiomyopathies. Identifiers: Orphanet 167848, MedGen C0878544, MONDO:0004994, HP:0001638. Inheritance: Various modes of inheritance.
Hypertrophic cardiomyopathy 14. Identifiers: MedGen C2750467, MONDO:0013197, OMIM 613251.

Allele frequency attached by ClinVar (database versions not stated): TOPMed 0.00009.

Submissions (6):

PreventionGenetics, part of Exact Sciences
Classification: Likely benign for MYH6-related condition. Last evaluated: 2026-08-27. Review status: criteria provided, single submitter. Criteria: ACMG Guidelines, 2015. Collection method: clinical testing. Allele origin: germline.
Comment: This variant is classified as likely benign based on ACMG/AMP sequence variant interpretation guidelines (Richards et al. 2015 PMID: 25741868, with internal and published modifications).

Labcorp Genetics (formerly Invitae), Labcorp
Classification: Likely benign for Hypertrophic cardiomyopathy 14. Last evaluated: 2025-12-01. Review status: criteria provided, single submitter. Criteria: Invitae Variant Classification Sherloc (09022015). Collection method: clinical testing. Allele origin: germline.

Blueprint Genetics
Classification: Likely benign. Last evaluated: 2024-06-28. Review status: criteria provided, single submitter. Criteria: ACMG Guidelines, 2015. Collection method: clinical testing. Allele origin: germline.

CHEO Genetics Diagnostic Laboratory, Children's Hospital of Eastern Ontario
Classification: Uncertain significance for Cardiomyopathy. Last evaluated: 2020-12-14. Review status: criteria provided, single submitter. Criteria: ACMG Guidelines, 2015. Collection method: clinical testing. Allele origin: germline.

GeneDx
Classification: Likely benign. Last evaluated: 2019-08-05. Review status: criteria provided, single submitter. Criteria: GeneDx Variant Classification Process June 2021. Collection method: clinical testing. Allele origin: germline. Affected: yes.

ARUP Laboratories, Molecular Genetics and Genomics, ARUP Laboratories
Classification: Likely benign. Last evaluated: 2017-05-05. Review status: criteria provided, single submitter. Criteria: ARUP Molecular Germline Variant Investigation Process. Collection method: clinical testing. Allele origin: germline.